The following is an entry in ClinVar:

ClinVar aggregate classification (germline): Uncertain significance (1 of 4 stars; one submission).

Conditions:
Fetal akinesia deformation sequence 1 (FADS1). Also called: Fetal akinesia sequence; Pena-Shokeir syndrome type I. Identifiers: Orphanet 994, MedGen C1276035, MONDO:0100101, OMIM 208150, HP:0001989.
Congenital myasthenic syndrome 10. Also called: Myasthenia, limb-girdle, familial. Identifiers: Orphanet 590, MedGen C1850792, MONDO:0009690, OMIM 254300.

Submission:

Labcorp Genetics (formerly Invitae), Labcorp
Classification: Uncertain significance for Congenital myasthenic syndrome 10; Fetal akinesia deformation sequence 1. Last evaluated: 2020-12-02. Review status: criteria provided, single submitter. Criteria: Invitae Variant Classification Sherloc (09022015). Collection method: clinical testing. Allele origin: germline.
Comment: This variant has not been reported in the literature in individuals with DOK7-related conditions. In summary, the available evidence is currently insufficient to determine the role of this variant in disease. Therefore, it has been classified as a Variant of Uncertain Significance. Algorithms developed to predict the effect of missense changes on protein structure and function (SIFT, PolyPhen-2, Align-GVGD) all suggest that this variant is likely to be tolerated, but these predictions have not been confirmed by published functional studies and their clinical significance is uncertain. This variant is not present in population databases (ExAC no frequency). This sequence change replaces glycine with arginine at codon 479 of the DOK7 protein (p.Gly479Arg). The glycine residue is weakly conserved and there is a moderate physicochemical difference between glycine and arginine.

NM_173660.5(DOK7):c.1435G>C (p.Gly479Arg)

Gene: DOK7 (docking protein 7; plus strand). Cytogenetic location: 4p16.3.
Variant type: single nucleotide variant.
Coding change: c.1435G>C on transcript NM_173660.5 (MANE Select); coding-DNA position 1435, G replaced by C.
Protein change: p.Gly479Arg; replaces glycine 479 with arginine.
Molecular consequence: missense variant. On other transcripts: 3 prime UTR variant (1).
Genome position (GRCh38, 1-based): chr4:3,493,421, G>C. VCF-style: chr4-3493421-G-C. GRCh37 (hg19) VCF-style: chr4-3495148-G-C.
Other names: c.*656G>C (NM_001164673.2); c.505G>C, p.Gly169Arg (NM_001256896.2); c.1435G>C, p.Gly479Arg (NM_001301071.2); c.1003G>C, p.Gly335Arg (NM_001363811.2); short protein forms G169R, G335R, G479R.
Identifiers: ClinVar variation 1517369 (VCV001517369.8), dbSNP rs140519765, ClinGen allele CA356117963.